The following is an entry in ClinVar:

ClinVar aggregate classification (germline): Uncertain significance (1 of 4 stars; one submission).

Submission:

Dasa
Classification: Uncertain significance. Last evaluated: 2025-08-18. Review status: criteria provided, single submitter. Criteria: DASA Assertion Criteria. Collection method: clinical testing. Allele origin: germline.
Comment: NM_181882.3(PRX):c.287T>C (p.Leu96Pro) is a missense variant that results in the substitution of leucine with proline. This variant is absent from population databases. The currently available literature and clinical evidence are not sufficient to establish a definitive association between this variant and the reported condition. Therefore, this variant is classified as a variant of uncertain significance.

NM_181882.3(PRX):c.287T>C (p.Leu96Pro)

Gene: PRX (periaxin; minus strand). Cytogenetic location: 19q13.2.
Variant type: single nucleotide variant.
Coding change: c.287T>C on transcript NM_181882.3 (MANE Select); coding-DNA position 287, T replaced by C.
Protein change: p.Leu96Pro; replaces leucine 96 with proline.
Molecular consequence: missense variant.
Genome position (GRCh38, 1-based): chr19:40,398,714, A>G on the plus strand (T>C on the coding strand, the complement: PRX is on the minus strand). VCF-style: chr19-40398714-A-G. GRCh37 (hg19) VCF-style: chr19-40904621-A-G.
Other names: c.572T>C, p.Leu191Pro (NM_001411127.1); c.287T>C, p.Leu96Pro (NM_020956.2); short protein forms L191P, L96P.
Identifiers: ClinVar variation 4886123 (VCV004886123.2).
Genomic context (GRCh38, chr19:40,398,714, plus strand): 5'-TCGTAGCCAGACACGGTCCCGGGCCGCAGAGCCAGGTCCCCGGTGGGCACAGTGCGCTTC[A>G]GGCAGAAGGAGACTTTGTAAGGCTCGGCGCATTGCAGCAGGCGTAGTGCGTCCTCGTACT-3'
Protein context (NP_870998.2, residues 86-106): CAEPYKVSFC[Leu96Pro]KRTVPTGDLA